The following is an entry in ClinVar:

ClinVar aggregate classification (germline): Benign. Review status: criteria provided, multiple submitters, no conflicts (2 of 4 stars). 2 submissions from 2 submitters: Benign (2). Last evaluated 2018-06-14.

Allele frequency attached by ClinVar (database versions not stated): gnomAD exomes 0.07706; 1000 Genomes Project 0.12919; 1000 Genomes Project 30x 0.13898; gnomAD 0.15201 and 0.16102; TOPMed 0.15890.
gnomAD v4.1: 127,511 of 1,506,032 alleles (8.5%); highest among the groups gnomAD compares: African/African-American, 37%; 8,915 homozygotes.

Submissions (2):

GeneDx
Classification: Benign. Last evaluated: 2018-06-14. Review status: criteria provided, single submitter. Criteria: GeneDx Variant Classification (06012015). Collection method: clinical testing. Allele origin: germline. Affected: yes.
Comment: This variant is considered likely benign or benign based on one or more of the following criteria: it is a conservative change, it occurs at a poorly conserved position in the protein, it is predicted to be benign by multiple in silico algorithms, and/or has population frequency not consistent with disease.

Breakthrough Genomics
Classification: Benign. Review status: criteria provided, single submitter. Criteria: ACMG Guidelines, 2015. Collection method: not provided. Allele origin: germline. Inheritance: Autosomal dominant inheritance. Affected: yes.

NM_001844.5(COL2A1):c.2517+82A>G

Gene: COL2A1 (collagen type II alpha 1 chain; minus strand). Cytogenetic location: 12q13.11.
Variant type: single nucleotide variant.
Coding change: c.2517+82A>G on transcript NM_001844.5 (MANE Select); 82 bases into the intron after coding-DNA position 2517, A replaced by G.
Molecular consequence: intron variant.
Genome position (GRCh38, 1-based): chr12:47,980,833, T>C on the plus strand (A>G on the coding strand, the complement: COL2A1 is on the minus strand). VCF-style: chr12-47980833-T-C. GRCh37 (hg19) VCF-style: chr12-48374616-T-C.
Other names: c.2310+82A>G (NM_033150.3).
Identifiers: ClinVar variation 675117 (VCV000675117.2), dbSNP rs12300271, ClinGen allele CA13736328.
Genomic context (GRCh38, chr12:47,980,833, plus strand): 5'-TGATGGTTCTATTAGTATGGAGGCGGGAAAGGAGAGGAGAGGAGCATCCATTTCCCTCCC[T>C]GACAAGCTCCGATGCCCGAGGGTGCTGGATGTGGAACTGGCCTGAGTGGAGGGACCCAGG-3'